The following is an entry in ClinVar:

NM_006206.6(PDGFRA):c.2918A>G (p.Asp973Gly)

Gene: PDGFRA (platelet derived growth factor receptor alpha; plus strand). Cytogenetic location: 4q12.
Variant type: single nucleotide variant.
Coding change: c.2918A>G on transcript NM_006206.6 (MANE Select); coding-DNA position 2918, A replaced by G.
Protein change: p.Asp973Gly; replaces aspartic acid 973 with glycine.
Molecular consequence: missense variant.
Genome position (GRCh38, 1-based): chr4:54,290,350, A>G. VCF-style: chr4-54290350-A-G. GRCh37 (hg19) VCF-style: chr4-55156517-A-G.
Other names: c.2993A>G, p.Asp998Gly (NM_001347828.2); c.2918A>G, p.Asp973Gly (NM_001347829.2); c.2957A>G, p.Asp986Gly (NM_001347830.2); short protein forms D986G, D973G, D998G.
Identifiers: ClinVar variation 645789 (VCV000645789.9), dbSNP rs1577748064, ClinGen allele CA356895991.

ClinVar aggregate classification (germline): Uncertain significance (1 of 4 stars; one submission).

Conditions:
Gastrointestinal stromal tumor. Also called: Gastrointestinal stromal tumor, somatic; Gastrointestinal stroma tumor. Identifiers: Orphanet 44890, MedGen C0238198, MeSH D046152, MONDO:0011719, OMIM 606764, HP:0100723.

Submission:

Labcorp Genetics (formerly Invitae), Labcorp
Classification: Uncertain significance for Gastrointestinal stromal tumor. Last evaluated: 2018-12-15. Review status: criteria provided, single submitter. Criteria: Invitae Variant Classification Sherloc (09022015). Collection method: clinical testing. Allele origin: germline.
Comment: In summary, the available evidence is currently insufficient to determine the role of this variant in disease. Therefore, it has been classified as a Variant of Uncertain Significance. Algorithms developed to predict the effect of missense changes on protein structure and function are either unavailable or do not agree on the potential impact of this missense change (SIFT: "Tolerated"; PolyPhen-2: "Probably Damaging"; Align-GVGD: "Class C0"). This variant has not been reported in the literature in individuals with PDGFRA-related conditions. This variant is not present in population databases (ExAC no frequency). This sequence change replaces aspartic acid with glycine at codon 973 of the PDGFRA protein (p.Asp973Gly). The aspartic acid residue is highly conserved and there is a moderate physicochemical difference between aspartic acid and glycine.